The following is an entry in ClinVar:

ClinVar aggregate classification (germline): Uncertain significance. Review status: criteria provided, multiple submitters, no conflicts (2 of 4 stars). 2 submissions from 2 submitters: Uncertain significance (2). Last evaluated 2023-02-13.

Conditions:
SCN8A-related disorder.

Submissions (2):

PreventionGenetics, part of Exact Sciences
Classification: Uncertain significance for SCN8A-related condition. Last evaluated: 2023-02-13. Review status: criteria provided, single submitter. Criteria: ACMG Guidelines, 2015. Collection method: clinical testing. Allele origin: germline.
Comment: The SCN8A c.5235_5237delCTT variant is predicted to result in an in-frame deletion (p.Phe1746del). To our knowledge, this variant has not been reported in the literature in individuals affected with SCN8A-related disorders. This variant is reported in 0.0064% of alleles in individuals of African descent in gnomAD. At this time, the clinical significance of this variant is uncertain due to the absence of conclusive functional and genetic evidence.

Mayo Clinic Laboratories, Mayo Clinic
Classification: Uncertain significance. Last evaluated: 2019-11-18. Review status: criteria provided, single submitter. Criteria: ACMG Guidelines, 2015. Collection method: clinical testing. Allele origin: germline. Observed: 1 variant allele.

NM_001330260.2(SCN8A):c.5229CTT[2] (p.Phe1746del)

Gene: SCN8A (sodium voltage-gated channel alpha subunit 8; plus strand). Cytogenetic location: 12q13.13.
Variant type: Microsatellite.
Coding change: c.5229CTT[2] on transcript NM_001330260.2 (MANE Select); two copies in a row of the 3-base unit CTT starting at c.5229; the reference has three copies in a row; one copy, 3 bases deleted.
Protein change: p.Phe1746del; deletes phenylalanine 1746.
Molecular consequence: inframe deletion.
Genome position (GRCh38, 1-based): chr12:51,806,721-51,806,723, CTT deleted; deleting any 3 consecutive bases within chr12:51,806,714-51,806,723 gives the same sequence; the position shown is the placement nearest the transcript's 3' end. VCF-style (leftmost placement, unchanged base first): chr12-51806713-ATCT-A. GRCh37 (hg19) VCF-style: chr12-52200497-ATCT-A.
Other names: c.5106CTT[2], p.Phe1705del (NM_001177984.3, NM_001369788.1); c.5229CTT[2], p.Phe1746del (NM_014191.4); short protein forms F1705del, F1746del.
Identifiers: ClinVar variation 1163054 (VCV001163054.6), dbSNP rs1565934130, ClinGen allele CA605238641.